The following is an entry in ClinVar:

NM_000073.3(CD3G):c.273G>C (p.Gln91His)

Genes: CD3G (CD3 gamma subunit of T-cell receptor complex; plus strand), LOC126861358 (BRD4-independent group 4 enhancer GRCh37_chr11:118220212-118221411; plus strand). Cytogenetic location: 11q23.3.
Variant type: single nucleotide variant.
Coding change: c.273G>C on transcript NM_000073.3 (MANE Select); coding-DNA position 273, G replaced by C.
Protein change: p.Gln91His; replaces glutamine 91 with histidine.
Molecular consequence: missense variant.
Genome position (GRCh38, 1-based): chr11:118,349,936, G>C. VCF-style: chr11-118349936-G-C. GRCh37 (hg19) VCF-style: chr11-118220651-G-C.
Other names: short protein forms Q91H.
Identifiers: ClinVar variation 640654 (VCV000640654.9), dbSNP rs141052321, ClinGen allele CA6302141.
Genomic context (GRCh38, chr11:118,349,936, plus strand): 5'-ATGGAATCTGGGAAGTAATGCCAAGGACCCTCGAGGGATGTATCAGTGTAAAGGATCACA[G>C]AACAAGTCAAAACCACTCCAAGTGTATTACAGAAGTATGTAATCCCCTTTGGTCTGTTTG-3'
Protein context (NP_000064.1, residues 81-101): PRGMYQCKGS[Gln91His]NKSKPLQVYY

ClinVar aggregate classification (germline): Uncertain significance. Review status: criteria provided, multiple submitters, no conflicts (2 of 4 stars). 2 submissions from 2 submitters: Uncertain significance (2). Last evaluated 2022-07-18.

Conditions:
Combined immunodeficiency due to CD3gamma deficiency. Also called: Immunodeficiency 17, CD3 gamma deficient; CD3-GAMMA DEFICIENCY; SCID-LIKE IMMUNODEFICIENCY, T CELL-PARTIAL, B CELL-POSITIVE, NK CELL-POSITIVE; Immunodeficiency 17. Identifiers: Orphanet 169082, MedGen C3810107, MONDO:0014276, OMIM 615607.

Allele frequency attached by ClinVar (database versions not stated): ExAC 0.00007; gnomAD exomes 0.00008; gnomAD 0.00025 and 0.00029; TOPMed 0.00033; ESP Exome Variant Server 0.00038.
gnomAD v4.1: 66 of 1,613,964 alleles (0.0041%); highest among the groups gnomAD compares: African/African-American, 0.077%; no homozygotes.

Submissions (2):

Labcorp Genetics (formerly Invitae), Labcorp
Classification: Uncertain significance for Combined immunodeficiency due to CD3gamma deficiency. Last evaluated: 2022-07-18. Review status: criteria provided, single submitter. Criteria: Invitae Variant Classification Sherloc (09022015). Collection method: clinical testing. Allele origin: germline.
Comment: This sequence change replaces glutamine, which is neutral and polar, with histidine, which is basic and polar, at codon 91 of the CD3G protein (p.Gln91His). This variant is present in population databases (rs141052321, gnomAD 0.1%). This variant has not been reported in the literature in individuals affected with CD3G-related conditions. ClinVar contains an entry for this variant (Variation ID: 640654). Algorithms developed to predict the effect of missense changes on protein structure and function (SIFT, PolyPhen-2, Align-GVGD) all suggest that this variant is likely to be tolerated. In summary, the available evidence is currently insufficient to determine the role of this variant in disease. Therefore, it has been classified as a Variant of Uncertain Significance.

Ambry Genetics
Classification: Uncertain significance. Last evaluated: 2021-07-09. Review status: criteria provided, single submitter. Criteria: Ambry Variant Classification Scheme 2023. Collection method: clinical testing. Allele origin: germline.